The following is an entry in ClinVar:

ClinVar aggregate classification (germline): Benign/Likely benign. Review status: criteria provided, multiple submitters, no conflicts (2 of 4 stars). 2 submissions from 2 submitters: Benign (1); Likely benign (1). Last evaluated 2025-10-02.

Conditions:
Combined oxidative phosphorylation defect type 17. Also called: Combined oxidative phosphorylation deficiency 17. Identifiers: Orphanet 369913, MedGen C3809526, MONDO:0014190, OMIM 615440.

Submissions (2):

Labcorp Genetics (formerly Invitae), Labcorp
Classification: Benign for Combined oxidative phosphorylation defect type 17. Last evaluated: 2025-10-02. Review status: criteria provided, single submitter. Criteria: Invitae Variant Classification Sherloc (09022015). Collection method: clinical testing. Allele origin: germline.

GeneDx
Classification: Likely benign. Last evaluated: 2016-11-25. Review status: criteria provided, single submitter. Criteria: GeneDx Variant Classification (06012015). Collection method: clinical testing. Allele origin: germline. Affected: yes.
Comment: This variant is considered likely benign or benign based on one or more of the following criteria: it is a conservative change, it occurs at a poorly conserved position in the protein, it is predicted to be benign by multiple in silico algorithms, and/or has population frequency not consistent with disease.

NM_018127.7(ELAC2):c.797+14del

Gene: ELAC2 (elaC ribonuclease Z 2; minus strand). Cytogenetic location: 17p12.
Variant type: Deletion.
Coding change: c.797+14del on transcript NM_018127.7 (MANE Select); 14 bases into the intron after coding-DNA position 797, one base deleted (G; older notation c.797+14delG).
Molecular consequence: intron variant.
Genome position (GRCh38, 1-based): chr17:13,005,907, C deleted on the plus strand (G on the coding strand, the reverse complement: ELAC2 is on the minus strand); the first of 6 consecutive C bases (chr17:13,005,907-13,005,912); deleting any one gives the same sequence. VCF-style (leftmost placement, unchanged base first): chr17-13005906-AC-A. GRCh37 (hg19) VCF-style: chr17-12909223-AC-A.
Other names: c.677+14del (NM_001165962.2); c.797+14del (NM_173717.2); c.797+14delG (NM_018127.6).
Identifiers: ClinVar variation 422749 (VCV000422749.5), dbSNP rs748817791, ClinGen allele CA8401489.
Genomic context (GRCh38, chr17:13,005,906, plus strand): 5'-CTCTGTGAAATGTGATTTCCTTAAGTGGACAGGTGTACCCAGTGAGTCCCCAGAAGCCTT[AC>A]CCCCCACACTCACACTGGGAGGCCCATCTCCTTTGCTTTGAGCACCAAGAAGTTTCCTCT-3'